The following is an entry in ClinVar:

NM_001130082.3(PLXNB1):c.5060T>C (p.Leu1687Pro)

Gene: PLXNB1 (plexin B1; minus strand). Cytogenetic location: 3p21.31.
Variant type: single nucleotide variant.
Coding change: c.5060T>C on transcript NM_001130082.3 (MANE Select); coding-DNA position 5060, T replaced by C.
Protein change: p.Leu1687Pro; replaces leucine 1687 with proline.
Molecular consequence: missense variant.
Genome position (GRCh38, 1-based): chr3:48,412,278, A>G on the plus strand (T>C on the coding strand, the complement: PLXNB1 is on the minus strand). VCF-style: chr3-48412278-A-G. GRCh37 (hg19) VCF-style: chr3-48453687-A-G.
Other names: c.5060T>C, p.Leu1687Pro (NM_002673.6); short protein forms L1687P.
Identifiers: ClinVar variation 4991533 (VCV004991533.1).
Genomic context (GRCh38, chr3:48,412,278, plus strand): 5'-GTCCACCTCTGCCCCCTCACCCTCACGAAGGTATACAGACAGATGGACATCCAGTTGGTG[A>G]GCAGCTTCTCCACCACAGTCTCTGTCCTGAGATGATGGGAAAGGGGAGTGCCAGGGTCAG-3'
Protein context (NP_001123554.1, residues 1677-1697): RRTETVVEKL[Leu1687Pro]TNWMSICLYT

ClinVar aggregate classification (germline): Uncertain significance (1 of 4 stars; one submission).

Conditions:
PLXNB1-related disorder. Also called: PLXNB1-related condition.

Submission:

PreventionGenetics, part of Exact Sciences
Classification: Uncertain significance for PLXNB1-related condition. Last evaluated: 2026-03-17. Review status: criteria provided, single submitter. Criteria: ACMG Guidelines, 2015. Collection method: clinical testing. Allele origin: germline.
Comment: The PLXNB1 c.5060T>C variant is predicted to result in the amino acid substitution p.Leu1687Pro. To our knowledge, this variant has not been reported in the literature or in a large population database (gnomAD), indicating this variant is rare. At this time, the clinical significance of this variant is uncertain due to the absence of conclusive functional and genetic evidence.